The following is an entry in ClinVar:

ClinVar aggregate classification (germline): Uncertain significance (1 of 4 stars; one submission).

Conditions:
Inborn genetic diseases. Identifiers: MedGen C0950123, MeSH D030342.

gnomAD v4.1: 2 of 1,614,100 alleles (0.00012%); highest among the groups gnomAD compares: South Asian, 0.0011%; no homozygotes.

Submission:

Ambry Genetics
Classification: Uncertain significance for Inborn genetic diseases. Last evaluated: 2025-07-21. Review status: criteria provided, single submitter. Criteria: Ambry Variant Classification Scheme 2023. Collection method: clinical testing. Allele origin: germline.
Comment: The p.A40T variant (also known as c.118G>A), located in coding exon 2 of the FANCA gene, results from a G to A substitution at nucleotide position 118. The alanine at codon 40 is replaced by threonine, an amino acid with similar properties. This amino acid position is conserved. In addition, this alteration is predicted to be tolerated by in silico analysis. Based on the available evidence, the clinical significance of this variant remains unclear.

NM_000135.4(FANCA):c.118G>A (p.Ala40Thr)

Gene: FANCA (FA complementation group A; minus strand). Cytogenetic location: 16q24.3.
Variant type: single nucleotide variant.
Coding change: c.118G>A on transcript NM_000135.4 (MANE Select); coding-DNA position 118, G replaced by A.
Protein change: p.Ala40Thr; replaces alanine 40 with threonine.
Molecular consequence: missense variant.
Genome position (GRCh38, 1-based): chr16:89,815,948, C>T on the plus strand (G>A on the coding strand, the complement: FANCA is on the minus strand). VCF-style: chr16-89815948-C-T. GRCh37 (hg19) VCF-style: chr16-89882356-C-T.
Other names: c.118G>A, p.Ala40Thr (NM_001018112.3, NM_001286167.3, NM_001351830.2); short protein forms A40T.
Identifiers: ClinVar variation 4254219 (VCV004254219.1).